The following is an entry in ClinVar:

NM_181703.4(GJA5):c.932G>C (p.Gly311Ala)

Gene: GJA5 (gap junction protein alpha 5; minus strand). Cytogenetic location: 1q21.2.
Variant type: single nucleotide variant.
Coding change: c.932G>C on transcript NM_181703.4 (MANE Select); coding-DNA position 932, G replaced by C.
Protein change: p.Gly311Ala; replaces glycine 311 with alanine.
Molecular consequence: missense variant.
Genome position (GRCh38, 1-based): chr1:147,758,307, C>G on the plus strand (G>C on the coding strand, the complement: GJA5 is on the minus strand). VCF-style: chr1-147758307-C-G. GRCh37 (hg19) VCF-style: chr1-147230415-C-G.
Other names: c.932G>C, p.Gly311Ala (NM_005266.7); short protein forms G311A.
Identifiers: ClinVar variation 2639123 (VCV002639123.27), dbSNP rs1364547914, ClinGen allele CA342393971.
Genomic context (GRCh38, chr1:147,758,307, plus strand): 5'-TGACCTGGTGAGACTCCATTGGGCACCTCAGGCTTCTGGCCATAACGAACCTGGATGAAA[C>G]CTTCCCCAGGAGTCTGCTCCTGACCTCGTACTTGCTCGGTGACCAGGTTGTCTGTGTTTT-3'
Protein context (NP_859054.1, residues 301-321): VRGQEQTPGE[Gly311Ala]FIQVRYGQKP

ClinVar aggregate classification (germline): Conflicting classifications of pathogenicity. Review status: criteria provided, conflicting classifications (1 of 4 stars). 2 submissions from 2 submitters: Uncertain significance (1); Likely benign (1). Last evaluated 2025-07-30.

Conditions:
Atrial standstill 1 (ATRST1). Also called: ATRIAL CARDIOMYOPATHY WITH HEART BLOCK; CARDIOMYOPATHY, FAMILIAL, WITH CONDUCTION DISTURBANCE; Atrial standstill, digenic (GJA5/SCN5A). Identifiers: Orphanet 1344, MedGen C4551959, MONDO:0007171, OMIM 108770.
Atrial fibrillation, familial, 11 (ATFB11). Identifiers: MedGen C3279693, MONDO:0013544, OMIM 614049.

Allele frequency attached by ClinVar (database versions not stated): TOPMed below 0.00001; gnomAD 0.00001.

Submissions (2):

Labcorp Genetics (formerly Invitae), Labcorp
Classification: Uncertain significance for Atrial fibrillation, familial, 11; Atrial standstill 1. Last evaluated: 2025-07-30. Review status: criteria provided, single submitter. Criteria: Invitae Variant Classification Sherloc (09022015). Collection method: clinical testing. Allele origin: germline.
Comment: This sequence change replaces glycine, which is neutral and non-polar, with alanine, which is neutral and non-polar, at codon 311 of the GJA5 protein (p.Gly311Ala). This variant is present in population databases (no rsID available, gnomAD 0.004%). This variant has not been reported in the literature in individuals affected with GJA5-related conditions. ClinVar contains an entry for this variant (Variation ID: 2639123). An algorithm developed to predict the effect of missense changes on protein structure and function outputs the following: PolyPhen-2: "Benign". The alanine amino acid residue is found in multiple mammalian species, which suggests that this missense change does not adversely affect protein function. In summary, the available evidence is currently insufficient to determine the role of this variant in disease. Therefore, it has been classified as a Variant of Uncertain Significance.

CeGaT Center for Human Genetics Tuebingen
Classification: Likely benign. Last evaluated: 2023-08-01. Review status: criteria provided, single submitter. Criteria: CeGaT Center For Human Genetics Tuebingen Variant Classification Criteria Version 2. Collection method: clinical testing. Allele origin: germline. Affected: yes. Observed: 1 variant allele.
Comment: GJA5: BP4